The following is an entry in ClinVar:

ClinVar aggregate classification (germline): Pathogenic (1 of 4 stars; one submission).

Conditions:
Schimke immuno-osseous dysplasia (SIOD). Also called: Schimke Immunoosseous Dysplasia. Identifiers: Orphanet 1830, MedGen C0877024, MONDO:0009458, OMIM 242900.

Submission:

Labcorp Genetics (formerly Invitae), Labcorp
Classification: Pathogenic for Schimke immuno-osseous dysplasia. Last evaluated: 2023-04-08. Review status: criteria provided, single submitter. Criteria: Invitae Variant Classification Sherloc (09022015). Collection method: clinical testing. Allele origin: germline.
Comment: For these reasons, this variant has been classified as Pathogenic. This variant has not been reported in the literature in individuals affected with SMARCAL1-related conditions. This variant is not present in population databases (gnomAD no frequency). This sequence change creates a premature translational stop signal (p.His734Trpfs*74) in the SMARCAL1 gene. It is expected to result in an absent or disrupted protein product. Loss-of-function variants in SMARCAL1 are known to be pathogenic (PMID: 11799392, 20301550).

Literature cited by the submitters: PubMed 11799392; PubMed 20301550.

NM_014140.4(SMARCAL1):c.2200_2212del (p.His734fs)

Gene: SMARCAL1 (SNF2 related chromatin remodeling annealing helicase 1; plus strand). Cytogenetic location: 2q35.
Variant type: Deletion.
Coding change: c.2200_2212del on transcript NM_014140.4 (MANE Select); coding-DNA positions 2200 to 2212, 13 bases deleted (CATAAGGTGGTCC).
Protein change: p.His734fs; shifts the reading frame from histidine 734.
Molecular consequence: frameshift variant.
Genome position (GRCh38, 1-based): chr2:216,468,002-216,468,014, CATAAGGTGGTCC deleted; deleting any 13 consecutive bases within chr2:216,468,001-216,468,014 gives the same sequence; the c. name uses the placement nearest the transcript's 3' end. VCF-style (leftmost placement, unchanged base first): chr2-216468000-ACCATAAGGTGGTC-A. GRCh37 (hg19) VCF-style: chr2-217332723-ACCATAAGGTGGTC-A.
Other names: c.2200_2212del, p.His734fs (NM_001127207.2); short protein forms H734fs.
Identifiers: ClinVar variation 2853675 (VCV002853675.3), dbSNP rs2469036788, ClinGen allele CA2739279506.